The following is an entry in ClinVar:

NM_080425.4(GNAS):c.1480G>T (p.Ala494Ser)

Gene: GNAS (GNAS complex locus; plus strand). Cytogenetic location: 20q13.32.
Variant type: single nucleotide variant.
Coding change: c.1480G>T on transcript NM_080425.4 (MANE Plus Clinical); coding-DNA position 1480, G replaced by T.
Protein change: p.Ala494Ser; replaces alanine 494 with serine.
Molecular consequence: missense variant. On other transcripts: synonymous variant (2), intron variant (3).
Genome position (GRCh38, 1-based): chr20:58,854,745, G>T. VCF-style: chr20-58854745-G-T. GRCh37 (hg19) VCF-style: chr20-57429800-G-T.
Other names: c.1293G>T, p.Thr431= (NM_001077490.3, NM_001309883.1); c.1480G>T, p.Ala494Ser (NM_001410913.1); c.*42+13859G>T (NM_016592.5); c.43+13859G>T (NM_001410912.1); c.-39+12870G>T (NM_001309861.2); short protein forms A494S.
Identifiers: ClinVar variation 4528203 (VCV004528203.1).

ClinVar aggregate classification (germline): Uncertain significance (1 of 4 stars; one submission).

Submission:

GeneDx
Classification: Uncertain significance. Last evaluated: 2025-05-09. Review status: criteria provided, single submitter. Criteria: GeneDx Variant Classification Process June 2021. Collection method: clinical testing. Allele origin: germline. Affected: yes.
Comment: Not observed at significant frequency in large population cohorts (gnomAD); In silico analysis suggests that this missense variant does not alter protein structure/function; Has not been previously published as pathogenic or benign to our knowledge; Reported using an alternate transcript of the gene